The following is an entry in ClinVar:

ClinVar aggregate classification (germline): Conflicting classifications of pathogenicity. Review status: criteria provided, conflicting classifications (1 of 4 stars). 2 submissions from 1 submitter: Uncertain significance (1); Likely benign (1). Last evaluated 2018-01-12.

Conditions:
Stickler syndrome type 2 (STL2). Also called: STICKLER SYNDROME, TYPE II; STICKLER SYNDROME, BEADED VITREOUS TYPE; STICKLER SYNDROME, VITREOUS TYPE 2; COL11A1-Related Stickler Syndrome. Identifiers: Orphanet 828, Orphanet 90654, MedGen C1858084, MONDO:0011493, OMIM 604841.
Fibrochondrogenesis 1 (FBCG1). Identifiers: Orphanet 2021, MedGen C3278138, MONDO:0009226, OMIM 228520.

Allele frequency attached by ClinVar (database versions not stated): gnomAD below 0.00001 and 0.00005; TOPMed 0.00002; 1000 Genomes Project 30x 0.00031; 1000 Genomes Project 0.00040.
gnomAD v4.1: 7 of 152,418 alleles (0.0046%); highest among the groups gnomAD compares: South Asian, 0.14%; no homozygotes.

Submissions (2):

Illumina Laboratory Services, Illumina
Classification: Uncertain significance for Fibrochondrogenesis 1. Last evaluated: 2018-01-12. Review status: criteria provided, single submitter. Criteria: ICSL Variant Classification Criteria 13 December 2019. Collection method: clinical testing. Allele origin: germline.

Illumina Laboratory Services, Illumina
Classification: Likely benign for Stickler syndrome type 2. Last evaluated: 2018-01-12. Review status: criteria provided, single submitter. Criteria: ICSL Variant Classification Criteria 13 December 2019. Collection method: clinical testing. Allele origin: germline.
Comment: This variant was observed in the ICSL laboratory as part of a predisposition screen in an ostensibly healthy population. It had not been previously curated by ICSL or reported in the Human Gene Mutation Database (HGMD: prior to June 1st, 2018), and was therefore a candidate for classification through an automated scoring system. Utilizing variant allele frequency, disease prevalence and penetrance estimates, and inheritance mode, an automated score was calculated to assess if this variant is too frequent to cause the disease. Based on the score and internal cut-off values, a variant classified as likely benign is not then subjected to further curation. The score for this variant resulted in a classification of likely benign for this disease.

NM_001854.4(COL11A1):c.*1227T>A

Gene: COL11A1 (collagen type XI alpha 1 chain; minus strand). Cytogenetic location: 1p21.1.
Variant type: single nucleotide variant.
Coding change: c.*1227T>A on transcript NM_001854.4 (MANE Select); 1227 bases downstream of the stop codon, T replaced by A.
Molecular consequence: 3 prime UTR variant. On other transcripts: non-coding transcript variant (1).
Genome position (GRCh38, 1-based): chr1:102,876,792, A>T on the plus strand (T>A on the coding strand, the complement: COL11A1 is on the minus strand). VCF-style: chr1-102876792-A-T. GRCh37 (hg19) VCF-style: chr1-103342348-A-T.
Other names: c.*1227T>A (NM_001190709.2, NM_080629.3, NM_080630.4).
Identifiers: ClinVar variation 291475 (VCV000291475.5), dbSNP rs538679983, ClinGen allele CA10607203.